The following is an entry in ClinVar:

NM_001673.5(ASNS):c.1364C>T (p.Ser455Phe)

Genes: ASNS (asparagine synthetase (glutamine-hydrolyzing); minus strand), CZ1P-ASNS (CZ1P-ASNS readthrough; minus strand). Cytogenetic location: 7q21.3.
Variant type: single nucleotide variant.
Coding change: c.1364C>T on transcript NM_001673.5 (MANE Select); coding-DNA position 1364, C replaced by T.
Protein change: p.Ser455Phe; replaces serine 455 with phenylalanine.
Molecular consequence: missense variant. On other transcripts: non-coding transcript variant (1).
Genome position (GRCh38, 1-based): chr7:97,853,172, G>A on the plus strand (C>T on the coding strand, the complement: ASNS is on the minus strand). VCF-style: chr7-97853172-G-A. GRCh37 (hg19) VCF-style: chr7-97482484-G-A.
Other names: c.1364C>T, p.Ser455Phe (NM_133436.3, NM_001352496.2, NM_183356.4); c.1301C>T, p.Ser434Phe (NM_001178075.2); c.1115C>T, p.Ser372Phe (NM_001178076.2, NM_001178077.1); short protein forms S434F, S455F, S372F.
Identifiers: ClinVar variation 729858 (VCV000729858.53), dbSNP rs61733327, ClinGen allele CA4354512.

ClinVar aggregate classification (germline): Conflicting classifications of pathogenicity. Review status: criteria provided, conflicting classifications (1 of 4 stars). 9 submissions from 9 submitters: Uncertain significance (2); Likely benign (5). 2 of the submissions do not count toward it. Last evaluated 2026-02-04.

Conditions:
ASNS-related disorder. Also called: ASNS-related condition.
Congenital microcephaly - severe encephalopathy - progressive cerebral atrophy syndrome. Also called: ASNS DEFICIENCY; Asparagine synthetase deficiency. Identifiers: Orphanet 391376, MedGen C3809971, MONDO:0014258, OMIM 615574.

Allele frequency attached by ClinVar (database versions not stated): 1000 Genomes Project 30x 0.00016; 1000 Genomes Project 0.00020; gnomAD 0.00106 and 0.00114; ExAC 0.00113; gnomAD exomes 0.00116 and 0.00183; TOPMed 0.00150; ESP Exome Variant Server 0.00161.
gnomAD v4.1: 2,819 of 1,611,122 alleles (0.17%); highest among the groups gnomAD compares: Non-Finnish European, 0.22%; 4 homozygotes.

Submissions (9):

Labcorp Genetics (formerly Invitae), Labcorp
Classification: Likely benign. Last evaluated: 2026-02-04. Review status: criteria provided, single submitter. Criteria: Invitae Variant Classification Sherloc (09022015). Collection method: clinical testing. Allele origin: germline.

CeGaT Center for Human Genetics Tuebingen
Classification: Likely benign. Last evaluated: 2025-03-01. Review status: criteria provided, single submitter. Criteria: CeGaT Center For Human Genetics Tuebingen Variant Classification Criteria Version 2. Collection method: clinical testing. Allele origin: germline. Affected: yes. Observed: 4 variant alleles.
Comment: ASNS: BP4

Revvity Omics, Revvity
Classification: Uncertain significance for Congenital microcephaly - severe encephalopathy - progressive cerebral atrophy syndrome. Last evaluated: 2025-01-17. Review status: criteria provided, single submitter. Criteria: ACMG Guidelines, 2015. Collection method: clinical testing. Allele origin: germline.

Blueprint Genetics
Classification: Likely benign. Last evaluated: 2024-11-21. Review status: criteria provided, single submitter. Criteria: ACMG Guidelines, 2015. Collection method: clinical testing. Allele origin: germline.

GeneDx
Classification: Likely benign. Last evaluated: 2020-08-31. Review status: criteria provided, single submitter. Criteria: GeneDx Variant Classification Process June 2021. Collection method: clinical testing. Allele origin: germline. Affected: yes.

Genetic Services Laboratory, University of Chicago
Classification: Likely benign. Last evaluated: 2020-06-12. Review status: criteria provided, single submitter. Criteria: ACMG Guidelines, 2015. Collection method: clinical testing. Allele origin: germline. Affected: no.

Baylor Genetics
Classification: Uncertain significance for Congenital microcephaly - severe encephalopathy - progressive cerebral atrophy syndrome. Last evaluated: 2018-07-06. Review status: criteria provided, single submitter. Criteria: ACMG Guidelines, 2015. Collection method: clinical testing. Allele origin: paternal. Affected: yes.
Comment: This variant was determined to be of uncertain significance according to ACMG Guidelines, 2015 [PMID:25741868].

PreventionGenetics, part of Exact Sciences
Classification: Likely benign for ASNS-related condition. Last evaluated: 2022-04-29. Review status: no assertion criteria provided. Collection method: clinical testing. Allele origin: germline. Not counted in ClinVar's aggregate classification.
Comment: This variant is classified as likely benign based on ACMG/AMP sequence variant interpretation guidelines (Richards et al. 2015 PMID: 25741868, with internal and published modifications).

Natera, Inc.
Classification: Likely benign for Asparagine synthetase deficiency. Last evaluated: 2020-01-07. Review status: no assertion criteria provided. Collection method: clinical testing. Allele origin: germline. Not counted in ClinVar's aggregate classification.